The following is an entry in ClinVar:

ClinVar aggregate classification (germline): Uncertain significance (1 of 4 stars; one submission).

Conditions:
Joubert syndrome. Also called: CEREBELLOPARENCHYMAL DISORDER IV; JOUBERT-BOLTSHAUSER SYNDROME; Familial aplasia of the vermis. Identifiers: Orphanet 475, MedGen C5979921, MONDO:0018772.
Orofaciodigital syndrome I (OFD1). Also called: OFDS I; Papillon-Leage and Psaume Syndrome; Oral-Facial-Digital Syndrome Type I. Identifiers: Orphanet 2750, MedGen C1510460, MONDO:0010702, OMIM 311200.

Submission:

Labcorp Genetics (formerly Invitae), Labcorp
Classification: Uncertain significance for Orofaciodigital syndrome I; Joubert syndrome. Last evaluated: 2021-08-08. Review status: criteria provided, single submitter. Criteria: Invitae Variant Classification Sherloc (09022015). Collection method: clinical testing. Allele origin: germline.
Comment: This variant has not been reported in the literature in individuals affected with OFD1-related conditions. This variant is not present in population databases (ExAC no frequency). This sequence change replaces asparagine with serine at codon 598 of the OFD1 protein (p.Asn598Ser). The asparagine residue is weakly conserved and there is a small physicochemical difference between asparagine and serine. Algorithms developed to predict the effect of missense changes on protein structure and function (SIFT, PolyPhen-2, Align-GVGD) all suggest that this variant is likely to be tolerated. In summary, the available evidence is currently insufficient to determine the role of this variant in disease. Therefore, it has been classified as a Variant of Uncertain Significance.

NM_003611.3(OFD1):c.1793A>G (p.Asn598Ser)

Gene: OFD1 (OFD1 centriole and centriolar satellite protein; plus strand). Cytogenetic location: Xp22.2.
Variant type: single nucleotide variant.
Coding change: c.1793A>G on transcript NM_003611.3 (MANE Select); coding-DNA position 1793, A replaced by G.
Protein change: p.Asn598Ser; replaces asparagine 598 with serine.
Molecular consequence: missense variant.
Genome position (GRCh38, 1-based): chrX:13,760,253, A>G. VCF-style: chrX-13760253-A-G. GRCh37 (hg19) VCF-style: chrX-13778372-A-G.
Other names: c.1673A>G, p.Asn558Ser (NM_001330209.2); c.1373A>G, p.Asn458Ser (NM_001330210.2); short protein forms N458S, N598S, N558S.
Identifiers: ClinVar variation 1373458 (VCV001373458.6), dbSNP rs2147047869, ClinGen allele CA412343844.